The following is an entry in ClinVar:

ClinVar aggregate classification (germline): Likely pathogenic (1 of 4 stars; one submission).

Conditions:
LOXHD1-related disorder. Also called: LOXHD1-related condition.

Allele frequency attached by ClinVar (database versions not stated): gnomAD exomes 0.00001.

Submission:

PreventionGenetics, part of Exact Sciences
Classification: Likely pathogenic for LOXHD1-related condition. Last evaluated: 2023-03-27. Review status: criteria provided, single submitter. Criteria: ACMG Guidelines, 2015. Collection method: clinical testing. Allele origin: germline.
Comment: The LOXHD1 c.2850delC variant is predicted to result in a frameshift and premature protein termination (p.Asp950Glufs*37). To our knowledge, this variant has not been reported in the literature or in a large population database, indicating this variant is rare. Frameshift variants in LOXHD1 are expected to be pathogenic. This variant is interpreted as likely pathogenic.

NM_001384474.1(LOXHD1):c.2850del (p.Asp950fs)

Gene: LOXHD1 (lipoxygenase homology PLAT domains 1; minus strand). Cytogenetic location: 18q21.1.
Variant type: Deletion.
Coding change: c.2850del on transcript NM_001384474.1 (MANE Select); coding-DNA position 2850, one base deleted (C; older notation c.2850delC).
Protein change: p.Asp950fs; shifts the reading frame from aspartic acid 950.
Molecular consequence: frameshift variant.
Genome position (GRCh38, 1-based): chr18:46,560,294, G deleted on the plus strand (C on the coding strand, the reverse complement: LOXHD1 is on the minus strand). VCF-style (leftmost placement, unchanged base first): chr18-46560293-CG-C. GRCh37 (hg19) VCF-style: chr18-44140256-CG-C.
Other names: c.2850del, p.Asp950fs (NM_144612.7); short protein forms D950fs.
Identifiers: ClinVar variation 2633894 (VCV002633894.1), dbSNP rs774921125, ClinGen allele CA299794411.